The following is an entry in ClinVar:

NM_001009944.3(PKD1):c.12085dup (p.Val4029fs)

Gene: PKD1 (polycystin 1, transient receptor potential channel interacting; minus strand). Cytogenetic location: 16p13.3.
Variant type: Duplication.
Coding change: c.12085dup on transcript NM_001009944.3 (MANE Select); coding-DNA position 12085, one base duplicated (G; older notation c.12085dupG).
Protein change: p.Val4029fs; shifts the reading frame from valine 4029.
Molecular consequence: frameshift variant.
Genome position (GRCh38, 1-based): chr16:2,090,727, C duplicated on the plus strand (G on the coding strand, the reverse complement: PKD1 is on the minus strand); the first of 5 consecutive C bases (chr16:2,090,727-2,090,731); duplicating any one gives the same sequence. VCF-style (leftmost placement, unchanged base first): chr16-2090726-A-AC. GRCh37 (hg19) VCF-style: chr16-2140727-A-AC.
Other names: c.12082dup, p.Val4028fs (NM_000296.4); short protein forms V4028fs, V4029fs.
Identifiers: ClinVar variation 1700909 (VCV001700909.3), dbSNP rs2151684548, ClinGen allele CA2580091176.
Genomic context (GRCh38, chr16:2,090,726, plus strand): 5'-TCACCTACCAGGATGGCCAGCTGGGCGTAGGCTACCCCGAGCACCACCAGGCCCAAGGTG[A>AC]CCCCCAGGAGCTCTGGCAGAGCTCGGCATAATGTCTTGCCAAAGACGGACCACTGGCGCA-3'

ClinVar aggregate classification (germline): Pathogenic/Likely pathogenic. Review status: criteria provided, multiple submitters, no conflicts (2 of 4 stars). 2 submissions from 2 submitters: Pathogenic (1); Likely pathogenic (1). Last evaluated 2024-05-07.

Conditions:
PKD1-related disorder. Also called: PKD1-related condition.

Submissions (2):

Blueprint Genetics
Classification: Pathogenic for PKD1-related disorders. Last evaluated: 2024-05-07. Review status: criteria provided, single submitter. Criteria: ACMG Guidelines, 2015. Collection method: clinical testing. Allele origin: germline. Affected: yes. Observed: 1 variant allele.

GeneDx
Classification: Likely pathogenic. Last evaluated: 2022-11-20. Review status: criteria provided, single submitter. Criteria: GeneDx Variant Classification Process June 2021. Collection method: clinical testing. Allele origin: germline. Affected: yes.
Comment: Frameshift variant predicted to result in protein truncation, as the last 275 amino acids are replaced with 127 different amino acids, and other loss-of-function variants have been reported downstream in HGMD; Not observed at significant frequency in large population cohorts (gnomAD); This variant is associated with the following publications: (PMID: 10647901)